The following is an entry in ClinVar:

NM_004100.5(EYA4):c.37A>G (p.Lys13Glu)

Gene: EYA4 (EYA transcriptional coactivator and phosphatase 4; plus strand). Cytogenetic location: 6q23.2.
Variant type: single nucleotide variant.
Coding change: c.37A>G on transcript NM_004100.5 (MANE Select); coding-DNA position 37, A replaced by G.
Protein change: p.Lys13Glu; replaces lysine 13 with glutamic acid.
Molecular consequence: missense variant.
Genome position (GRCh38, 1-based): chr6:133,382,395, A>G. VCF-style: chr6-133382395-A-G. GRCh37 (hg19) VCF-style: chr6-133703533-A-G.
Other names: c.37A>G (NM_004100.4); c.37A>G, p.Lys13Glu (NM_001301012.2, NM_001301013.2, NM_001370458.1 and 3 more transcripts); short protein forms K13E.
Identifiers: ClinVar variation 1895506 (VCV001895506.8), dbSNP rs1786297235, ClinGen allele CA365837782.

ClinVar aggregate classification (germline): Uncertain significance. Review status: criteria provided, multiple submitters, no conflicts (2 of 4 stars). 2 submissions from 2 submitters: Uncertain significance (2). Last evaluated 2026-07-23.

Conditions:
Cardiovascular phenotype. Identifiers: MedGen CN230736.
Dilated cardiomyopathy 1J (CMD1J). Also called: CARDIOMYOPATHY, DILATED, WITH SENSORINEURAL HEARING LOSS, AUTOSOMAL DOMINANT. Identifiers: Orphanet 217622, MedGen C1854368, MONDO:0011541, OMIM 605362.

Allele frequency attached by ClinVar (database versions not stated): gnomAD exomes below 0.00001; TOPMed below 0.00001.
gnomAD v4.1: 3 of 1,608,322 alleles (0.00019%); highest among the groups gnomAD compares: African/African-American, 0.0013%; no homozygotes.

Submissions (2):

Ambry Genetics
Classification: Uncertain significance for Cardiovascular phenotype. Last evaluated: 2026-07-23. Review status: criteria provided, single submitter. Criteria: Ambry Variant Classification Scheme 2023. Collection method: clinical testing. Allele origin: germline.

Labcorp Genetics (formerly Invitae), Labcorp
Classification: Uncertain significance for Dilated cardiomyopathy 1J. Last evaluated: 2024-12-08. Review status: criteria provided, single submitter. Criteria: Invitae Variant Classification Sherloc (09022015). Collection method: clinical testing. Allele origin: germline.
Comment: This sequence change replaces lysine, which is basic and polar, with glutamic acid, which is acidic and polar, at codon 13 of the EYA4 protein (p.Lys13Glu). This variant is not present in population databases (gnomAD no frequency). This variant has not been reported in the literature in individuals affected with EYA4-related conditions. ClinVar contains an entry for this variant (Variation ID: 1895506). An algorithm developed to predict the effect of missense changes on protein structure and function (PolyPhen-2) suggests that this variant is likely to be tolerated. In summary, the available evidence is currently insufficient to determine the role of this variant in disease. Therefore, it has been classified as a Variant of Uncertain Significance.